The following is an entry in ClinVar:

NM_001384900.1(SEMA3D):c.1048T>C (p.Ser350Pro)

Gene: SEMA3D (semaphorin 3D; minus strand). Cytogenetic location: 7q21.11.
Variant type: single nucleotide variant.
Coding change: c.1048T>C on transcript NM_001384900.1 (MANE Select); coding-DNA position 1048, T replaced by C.
Protein change: p.Ser350Pro; replaces serine 350 with proline.
Molecular consequence: missense variant.
Genome position (GRCh38, 1-based): chr7:85,037,032, A>G on the plus strand (T>C on the coding strand, the complement: SEMA3D is on the minus strand). VCF-style: chr7-85037032-A-G. GRCh37 (hg19) VCF-style: chr7-84666348-A-G.
Other names: c.1048T>C, p.Ser350Pro (NM_001384901.1, NM_001384902.1, NM_001384903.1 and 1 more transcripts); short protein forms S350P.
Identifiers: ClinVar variation 3054669 (VCV003054669.3), dbSNP rs148335845, ClinGen allele CA4323522.
Genomic context (GRCh38, chr7:85,037,032, plus strand): 5'-TAAAAACTGCTCTGATGTCAGCCATGCTATACACACAAACAGCAGAGCCTTTGAAGATGG[A>G]GCTGGAAAAAAAAAGCATCATCATTCAATCATTCACTGATGAATTCAATAAACATTGACT-3'
Protein context (NP_001371829.1, residues 340-360): VVYGVFTTTS[Ser350Pro]IFKGSAVCVY

ClinVar aggregate classification (germline): Uncertain significance (1 of 4 stars; one submission).

Conditions:
SEMA3D-related disorder. Also called: SEMA3D-related condition.

Allele frequency attached by ClinVar (database versions not stated): gnomAD 0.00012; ESP Exome Variant Server 0.00015; 1000 Genomes Project 30x 0.00047; 1000 Genomes Project 0.00060.
gnomAD v4.1: 46 of 1,609,684 alleles (0.0029%); highest among the groups gnomAD compares: African/African-American, 0.06%; no homozygotes.

Submission:

PreventionGenetics, part of Exact Sciences
Classification: Uncertain significance for SEMA3D-related condition. Last evaluated: 2026-03-04. Review status: criteria provided, single submitter. Criteria: ACMG Guidelines, 2015. Collection method: clinical testing. Allele origin: germline.
Comment: The SEMA3D c.1048T>C variant is predicted to result in the amino acid substitution p.Ser350Pro. To our knowledge, this variant has not been reported in the literature. This variant is reported in 0.052% of alleles in individuals of African descent in gnomAD. Although we suspect that this variant may be benign, at this time, the clinical significance of this variant is uncertain due to the absence of conclusive functional and genetic evidence.